The following is an entry in ClinVar:

ClinVar aggregate classification (germline): Uncertain significance (1 of 4 stars; one submission).

Submission:

Labcorp Genetics (formerly Invitae), Labcorp
Classification: Uncertain significance. Last evaluated: 2020-07-27. Review status: criteria provided, single submitter. Criteria: Invitae Variant Classification Sherloc (09022015). Collection method: clinical testing. Allele origin: germline.
Comment: In summary, the available evidence is currently insufficient to determine the role of this variant in disease. Therefore, it has been classified as a Variant of Uncertain Significance. Advanced modeling of protein sequence and biophysical properties (such as structural, functional, and spatial information, amino acid conservation, physicochemical variation, residue mobility, and thermodynamic stability) performed at Invitae indicates that this missense variant is not expected to disrupt LRP5 protein function. This variant has not been reported in the literature in individuals with LRP5-related conditions. This variant is not present in population databases (ExAC no frequency). This sequence change replaces glutamic acid with aspartic acid at codon 1425 of the LRP5 protein (p.Glu1425Asp). The glutamic acid residue is highly conserved and there is a small physicochemical difference between glutamic acid and aspartic acid.

NM_002335.4(LRP5):c.4275G>C (p.Glu1425Asp)

Gene: LRP5 (LDL receptor related protein 5; plus strand). Cytogenetic location: 11q13.2.
Variant type: single nucleotide variant.
Coding change: c.4275G>C on transcript NM_002335.4 (MANE Select); coding-DNA position 4275, G replaced by C.
Protein change: p.Glu1425Asp; replaces glutamic acid 1425 with aspartic acid.
Molecular consequence: missense variant.
Genome position (GRCh38, 1-based): chr11:68,438,609, G>C. VCF-style: chr11-68438609-G-C. GRCh37 (hg19) VCF-style: chr11-68206077-G-C.
Other names: c.2532G>C, p.Glu844Asp (NM_001291902.2); short protein forms E1425D, E844D.
Identifiers: ClinVar variation 1051635 (VCV001051635.9), dbSNP rs2153181349, ClinGen allele CA381615155.